The following is an entry in ClinVar:

NM_018344.6(SLC29A3):c.308_309del (p.Tyr102_Phe103insTer)

Genes: SLC29A3 (solute carrier family 29 member 3; plus strand), LOC105378353 (uncharacterized LOC105378353; minus strand). Cytogenetic location: 10q22.1.
Variant type: Deletion.
Coding change: c.308_309del on transcript NM_018344.6 (MANE Select); coding-DNA positions 308 to 309, 2 bases deleted (TT; older notation c.308_309delTT).
Protein change: p.Tyr102_Phe103insTer.
Molecular consequence: nonsense.
Genome position (GRCh38, 1-based): chr10:71,344,216-71,344,217, TT deleted; deleting any 2 consecutive bases within chr10:71,344,215-71,344,217 gives the same sequence; the c. name uses the placement nearest the transcript's 3' end. VCF-style (leftmost placement, unchanged base first): chr10-71344214-CTT-C. GRCh37 (hg19) VCF-style: chr10-73103971-CTT-C.
Other names: c.308_309del, p.Tyr102_Phe103insTer (NM_001174098.2); c.74_75del, p.Tyr24_Phe25insTer (NM_001363518.2).
Identifiers: ClinVar variation 30947 (VCV000030947.6), dbSNP rs796052139, ClinGen allele CA129560.
Genomic context (GRCh38, chr10:71,344,214, plus strand): 5'-CTGCTCACCTCCATCCCTGAGTGACCGCAGCACCTCCTCACTTGTGTGCTTGCAGAACTA[CTT>C]TGAGAGCTACCTTGCCGTTGCCTCCACCGTGCCCTCCATGCTGTGCCTGGTGGCCAACTT-3'

ClinVar aggregate classification (germline): Pathogenic. Review status: criteria provided, single submitter (1 of 4 stars). 2 submissions from 2 submitters: Pathogenic (1). 1 of the submissions does not count toward it. Last evaluated 2017-04-28.

Conditions:
H syndrome. Also called: FAISALABAD HISTIOCYTOSIS; Histiocytosis with joint contractures and sensorineural deafness; Pigmented hypertrichosis and insulin-dependent diabetes mellitus; Asrar Facharzt Haque syndrome; HISTIOCYTOSIS AND LYMPHADENOPATHY WITH OR WITHOUT CUTANEOUS, CARDIAC, AND/OR ENDOCRINE FEATURES, JOINT CONTRACTURES, AND/OR DEAFNESS; HYPERPIGMENTATION, CUTANEOUS, WITH HYPERTRICHOSIS, HEPATOSPLENOMEGALY, HEART ANOMALIES, AND HYPOGONADISM WITH OR WITHOUT HEARING LOSS. Identifiers: Orphanet 168569, MedGen C1864445, MONDO:0011273, OMIM 602782.

Submissions (2):

Genetics Laboratory, Department of Biology, Semnan University
Classification: Pathogenic for H syndrome. Last evaluated: 2017-04-28. Review status: criteria provided, single submitter. Criteria: ACMG Guidelines, 2015. Collection method: case-control. Allele origin: inherited. Inheritance: Autosomal recessive inheritance. Affected: yes. Observed: 1 variant allele, 1 homozygote.
Comment: This homozygous deletion includes two thymidine nucleotides (c.308_309del) of exon 3 causing a frame-shift mutation that immediately, makes a stop codon (TGA) instead of Phe103 codon (TTT) (SLC29A3:NM_001174098:exon3: c.308_309del:p.Phe103fs). The truncated ENT3 protein loses its 10 out of 11 transmembrane domains. Therefore, it seems that this homozygous mutation, as a loss of function mutation, leads to elimination of ENT3 protein function.

OMIM
Classification: Pathogenic for HISTIOCYTOSIS-LYMPHADENOPATHY PLUS SYNDROME. Last evaluated: 2010-02-05. Review status: no assertion criteria provided. Collection method: literature only. Allele origin: germline. Not counted in ClinVar's aggregate classification.

Literature cited by the submitters: DOI 10.1186/s12881-019-0879-7 (cited by Genetics Laboratory, Department of Biology, Semnan University); PubMed 20140240 (cited by OMIM).